The following is an entry in ClinVar:

NM_017654.4(SAMD9):c.4246C>T (p.Arg1416Ter)

Gene: SAMD9 (sterile alpha motif domain containing 9; minus strand). Cytogenetic location: 7q21.2.
Variant type: single nucleotide variant.
Coding change: c.4246C>T on transcript NM_017654.4 (MANE Select); coding-DNA position 4246, C replaced by T.
Protein change: p.Arg1416Ter; replaces arginine 1416 with a stop codon.
Molecular consequence: nonsense.
Genome position (GRCh38, 1-based): chr7:93,101,852, G>A on the plus strand (C>T on the coding strand, the complement: SAMD9 is on the minus strand). VCF-style: chr7-93101852-G-A. GRCh37 (hg19) VCF-style: chr7-92731165-G-A.
Other names: c.4246C>T, p.Arg1416Ter (NM_001193307.2); short protein forms R1416*.
Identifiers: ClinVar variation 3708909 (VCV003708909.4).

ClinVar aggregate classification (germline): Uncertain significance. Review status: criteria provided, multiple submitters, no conflicts (2 of 4 stars). 3 submissions from 3 submitters: Uncertain significance (3). Last evaluated 2026-09-04.

Conditions:
Normophosphatemic familial tumoral calcinosis. Also called: CALCINOSIS, TUMORAL, WITH NORMOPHOSPHATEMIA. Identifiers: Orphanet 306658, Orphanet 53715, MedGen C1864861, MONDO:0012502, OMIM 610455.

gnomAD v4.1: 3 of 1,613,828 alleles (0.00019%); highest among the groups gnomAD compares: Non-Finnish European, 0.00025%; no homozygotes.

Submissions (3):

Myriad Genetics, Inc.
Classification: Uncertain significance for Normophosphatemic familial tumoral calcinosis. Last evaluated: 2026-09-04. Review status: criteria provided, single submitter. Criteria: Myriad Autosomal Dominant, Autosomal Recessive and X-Linked Classification Criteria (2023). Collection method: clinical testing. Allele origin: unknown.
Comment: NM_017654.3(SAMD9):c.4246C>T(R1416*) is a nonsense variant classified as a variant of uncertain significance in the context of normophosphatemic familial tumoral calcinosis. R1416* has not been observed in cases with relevant disease. Relevant functional assessments of this variant are not available in the literature. R1416* has not been observed in referenced population frequency databases. In summary, there is insufficient evidence to classify NM_017654.3(SAMD9):c.4246C>T(R1416*) as pathogenic or benign. Please note: this variant was assessed in the context of healthy population screening.

Labcorp Genetics (formerly Invitae), Labcorp
Classification: Uncertain significance. Last evaluated: 2024-08-09. Review status: criteria provided, single submitter. Criteria: Invitae Variant Classification Sherloc (09022015). Collection method: clinical testing. Allele origin: germline.
Comment: This sequence change creates a premature translational stop signal (p.Arg1416*) in the SAMD9 gene. While this is not anticipated to result in nonsense mediated decay, it is expected to disrupt the last 174 amino acid(s) of the SAMD9 protein. This variant is not present in population databases (gnomAD no frequency). This variant has not been reported in the literature in individuals affected with SAMD9-related conditions. In summary, the available evidence is currently insufficient to determine the role of this variant in disease. Therefore, it has been classified as a Variant of Uncertain Significance.

Blueprint Genetics
Classification: Uncertain significance. Last evaluated: 2018-10-25. Review status: criteria provided, single submitter. Criteria: ACMG Guidelines, 2015. Collection method: clinical testing. Allele origin: germline.